The following is an entry in ClinVar:

ClinVar aggregate classification (germline): Likely benign. Review status: criteria provided, multiple submitters, no conflicts (2 of 4 stars). 3 submissions from 3 submitters: Likely benign (2). 1 of the submissions does not count toward it. Last evaluated 2024-07-08.

Conditions:
DIS3L2-related disorder. Also called: DIS3L2-related condition.
Perlman syndrome (PRLMNS). Identifiers: Orphanet 2849, MedGen C0796113, MONDO:0009965, OMIM 267000.

Allele frequency attached by ClinVar (database versions not stated): gnomAD exomes below 0.00001 and 0.00002; TOPMed below 0.00001; ExAC 0.00002.
gnomAD v4.1: 6 of 1,600,300 alleles (0.00037%); highest among the groups gnomAD compares: Non-Finnish European, 0.00043%; no homozygotes.

Submissions (3):

Labcorp Genetics (formerly Invitae), Labcorp
Classification: Likely benign for Perlman syndrome. Last evaluated: 2024-07-08. Review status: criteria provided, single submitter. Criteria: Invitae Variant Classification Sherloc (09022015). Collection method: clinical testing. Allele origin: germline.

Blueprint Genetics
Classification: Likely benign. Last evaluated: 2022-10-26. Review status: criteria provided, single submitter. Criteria: ACMG Guidelines, 2015. Collection method: clinical testing. Allele origin: germline.

PreventionGenetics, part of Exact Sciences
Classification: Likely benign for DIS3L2-related condition. Last evaluated: 2024-08-07. Review status: no assertion criteria provided. Collection method: clinical testing. Allele origin: germline. Not counted in ClinVar's aggregate classification.
Comment: This variant is classified as likely benign based on ACMG/AMP sequence variant interpretation guidelines (Richards et al. 2015 PMID: 25741868, with internal and published modifications).

NM_152383.5(DIS3L2):c.1923+9T>C

Gene: DIS3L2 (DIS3 like 3'-5' exoribonuclease 2; plus strand). Cytogenetic location: 2q37.1.
Variant type: single nucleotide variant.
Coding change: c.1923+9T>C on transcript NM_152383.5 (MANE Select); 9 bases into the intron after coding-DNA position 1923, T replaced by C.
Molecular consequence: intron variant.
Genome position (GRCh38, 1-based): chr2:232,330,005, T>C. VCF-style: chr2-232330005-T-C. GRCh37 (hg19) VCF-style: chr2-233194715-T-C.
Other names: c.1582-13340T>C (NM_001257281.2); c.1923+9T>C (NM_152383.4).
Identifiers: ClinVar variation 1084412 (VCV001084412.11), dbSNP rs764211533, ClinGen allele CA2164305.